The following is an entry in ClinVar:

ClinVar aggregate classification (germline): Uncertain significance (1 of 4 stars; one submission).

Conditions:
Landau-Kleffner syndrome (FESD). Also called: EPILEPSY, FOCAL, WITH SPEECH DISORDER AND WITH OR WITHOUT MENTAL RETARDATION; APHASIA, ACQUIRED, WITH EPILEPSY. Identifiers: Orphanet 1945, Orphanet 725, Orphanet 98818, MedGen C0282512, MONDO:0009509, OMIM 245570.

Allele frequency attached by ClinVar (database versions not stated): TOPMed below 0.00001.

Submission:

Labcorp Genetics (formerly Invitae), Labcorp
Classification: Uncertain significance for Landau-Kleffner syndrome. Last evaluated: 2024-04-17. Review status: criteria provided, single submitter. Criteria: Invitae Variant Classification Sherloc (09022015). Collection method: clinical testing. Allele origin: germline.
Comment: This sequence change replaces glutamic acid, which is acidic and polar, with aspartic acid, which is acidic and polar, at codon 1175 of the GRIN2A protein (p.Glu1175Asp). This variant is not present in population databases (gnomAD no frequency). This variant has not been reported in the literature in individuals affected with GRIN2A-related conditions. ClinVar contains an entry for this variant (Variation ID: 1518955). Advanced modeling of protein sequence and biophysical properties (such as structural, functional, and spatial information, amino acid conservation, physicochemical variation, residue mobility, and thermodynamic stability) performed at Invitae indicates that this missense variant is not expected to disrupt GRIN2A protein function with a negative predictive value of 95%. In summary, the available evidence is currently insufficient to determine the role of this variant in disease. Therefore, it has been classified as a Variant of Uncertain Significance.

NM_001134407.3(GRIN2A):c.3525A>T (p.Glu1175Asp)

Gene: GRIN2A (glutamate ionotropic receptor NMDA type subunit 2A; minus strand). Cytogenetic location: 16p13.2.
Variant type: single nucleotide variant.
Coding change: c.3525A>T on transcript NM_001134407.3 (MANE Select); coding-DNA position 3525, A replaced by T.
Protein change: p.Glu1175Asp; replaces glutamic acid 1175 with aspartic acid.
Molecular consequence: missense variant.
Genome position (GRCh38, 1-based): chr16:9,764,019, T>A on the plus strand (A>T on the coding strand, the complement: GRIN2A is on the minus strand). VCF-style: chr16-9764019-T-A. GRCh37 (hg19) VCF-style: chr16-9857876-T-A.
Other names: c.3525A>T, p.Glu1175Asp (NM_000833.5, NM_001134408.2); short protein forms E1175D.
Identifiers: ClinVar variation 1518955 (VCV001518955.8), dbSNP rs1900735770, ClinGen allele CA394707432.
Genomic context (GRCh38, chr16:9,764,019, plus strand): 5'-GTCTTTCAAGGTGAAGTGCTTGGAGTAGAGTTTATACTGGTCGTTGTTGGAAAGCCCCTC[T>A]TCATTATGCAAGGGGTTCCGGTTCATTGGCAGCGTGGAGTCCCCCTTGCGGAAGTTTTCA-3'
Protein context (NP_001127879.1, residues 1165-1185): LPMNRNPLHN[Glu1175Asp]EGLSNNDQYK